The following is an entry in ClinVar:

ClinVar aggregate classification (germline): Uncertain significance (1 of 4 stars; one submission).

Conditions:
Hereditary cancer-predisposing syndrome. Also called: Hereditary Cancer Syndrome; Hereditary neoplastic syndrome; Neoplastic Syndromes, Hereditary; Tumor predisposition. Identifiers: Orphanet 140162, MedGen C0027672, MeSH D009386, MONDO:0015356.

Submission:

Ambry Genetics
Classification: Uncertain significance for Hereditary cancer-predisposing syndrome. Last evaluated: 2022-02-12. Review status: criteria provided, single submitter. Criteria: Ambry Variant Classification Scheme 2023. Collection method: clinical testing. Allele origin: germline.
Comment: The p.I16V variant (also known as c.46A>G), located in coding exon 1 of the MEN1 gene, results from an A to G substitution at nucleotide position 46. The isoleucine at codon 16 is replaced by valine, an amino acid with highly similar properties. This amino acid position is conserved. In addition, the in silico prediction for this alteration is inconclusive. Since supporting evidence is limited at this time, the clinical significance of this alteration remains unclear.

NM_001370259.2(MEN1):c.46A>G (p.Ile16Val)

Gene: MEN1 (menin 1; minus strand). Cytogenetic location: 11q13.1.
Variant type: single nucleotide variant.
Coding change: c.46A>G on transcript NM_001370259.2 (MANE Select); coding-DNA position 46, A replaced by G.
Protein change: p.Ile16Val; replaces isoleucine 16 with valine.
Molecular consequence: missense variant.
Genome position (GRCh38, 1-based): chr11:64,810,064, T>C on the plus strand (A>G on the coding strand, the complement: MEN1 is on the minus strand). VCF-style: chr11-64810064-T-C. GRCh37 (hg19) VCF-style: chr11-64577536-T-C.
Other names: c.46A>G, p.Ile16Val (NM_000244.4, NM_001370251.2, NM_001370260.2 and 20 more transcripts); short protein forms I16V.
Identifiers: ClinVar variation 1742527 (VCV001742527.2), dbSNP rs2497289262, ClinGen allele CA381188185.
Genomic context (GRCh38, chr11:64,810,064, plus strand): 5'-GCACCAGGTCCGGCTCCTCTCGGCCCAGCTCGGCAGCAAACAGGCGCACCACGTCGTCGA[T>C]GGAGCGCAGCGGGAACAGCGTCTTCTGGGCGGCCTTCAGCCCCATGGCGGCGGGCGGTGG-3'
Protein context (NP_001357188.2, residues 6-26): AQKTLFPLRS[Ile16Val]DDVVRLFAAE